The following is an entry in ClinVar:

NM_002691.4(POLD1):c.347dup (p.Pro117fs)

Gene: POLD1 (DNA polymerase delta 1, catalytic subunit; plus strand). Cytogenetic location: 19q13.33.
Variant type: Duplication.
Coding change: c.347dup on transcript NM_002691.4 (MANE Select); coding-DNA position 347, one base duplicated (C; older notation c.347dupC).
Protein change: p.Pro117fs; shifts the reading frame from proline 117.
Molecular consequence: frameshift variant. On other transcripts: non-coding transcript variant (1).
Genome position (GRCh38, 1-based): chr19:50,401,808, C duplicated; the last of 5 consecutive C bases (chr19:50,401,804-50,401,808); duplicating any one gives the same sequence. VCF-style (leftmost placement, unchanged base first): chr19-50401803-G-GC. GRCh37 (hg19) VCF-style: chr19-50905060-G-GC.
Other names: c.347dup, p.Pro117fs (NM_001256849.1, NM_001308632.1); short protein forms P117fs.
Identifiers: ClinVar variation 3076180 (VCV003076180.1), dbSNP rs2513955135, ClinGen allele CA2576862594.

ClinVar aggregate classification (germline): Uncertain significance (1 of 4 stars; one submission).

Conditions:
Hereditary cancer-predisposing syndrome. Also called: Neoplastic Syndromes, Hereditary; Tumor predisposition; Hereditary neoplastic syndrome; Hereditary Cancer Syndrome. Identifiers: Orphanet 140162, MedGen C0027672, MeSH D009386, MONDO:0015356.

Submission:

Ambry Genetics
Classification: Uncertain significance for Hereditary cancer-predisposing syndrome. Last evaluated: 2017-11-02. Review status: criteria provided, single submitter. Criteria: Ambry Variant Classification Scheme 2023. Collection method: clinical testing. Allele origin: germline.
Comment: The c.347dupC (p.P117TFS*17) alteration, located in exon 4 (coding exon 3) of the POLD1 gene, consists of a duplication of C at position 347, causing a translational frameshift with a predicted alternate stop codon after 17 amino acids. Frameshift alterations are typically deleterious in nature (Richards, 2015). Based on insufficient or conflicting evidence, the clinical significance of this alteration remains unclear.